The following is an entry in ClinVar:

ClinVar aggregate classification (germline): Likely benign. Review status: criteria provided, single submitter (1 of 4 stars). 2 submissions from 2 submitters: Likely benign (1). 1 of the submissions does not count toward it. Last evaluated 2024-09-25.

Conditions:
SETD1B-related disorder. Also called: SETD1B-related condition.

Allele frequency attached by ClinVar (database versions not stated): gnomAD exomes 0.00003; ExAC 0.00007; gnomAD 0.00016; TOPMed 0.00017; 1000 Genomes Project 30x 0.00031; 1000 Genomes Project 0.00040.
gnomAD v4.1: 62 of 1,550,186 alleles (0.004%); highest among the groups gnomAD compares: Middle Eastern, 0.3%; no homozygotes.

Submissions (2):

Blueprint Genetics
Classification: Likely benign. Last evaluated: 2024-09-25. Review status: criteria provided, single submitter. Criteria: ACMG Guidelines, 2015. Collection method: clinical testing. Allele origin: germline.

PreventionGenetics, part of Exact Sciences
Classification: Likely benign for SETD1B-related condition. Last evaluated: 2019-05-24. Review status: no assertion criteria provided. Collection method: clinical testing. Allele origin: germline. Not counted in ClinVar's aggregate classification.
Comment: This variant is classified as likely benign based on ACMG/AMP sequence variant interpretation guidelines (Richards et al. 2015 PMID: 25741868, with internal and published modifications).

NM_001353345.2(SETD1B):c.1113A>G (p.Gln371=)

Gene: SETD1B (SET domain containing 1B, histone lysine methyltransferase; plus strand). Cytogenetic location: 12q24.31.
Variant type: single nucleotide variant.
Coding change: c.1113A>G on transcript NM_001353345.2 (MANE Select); coding-DNA position 1113, A replaced by G.
Protein change: p.Gln371=; no amino-acid change (glutamine 371 retained).
Molecular consequence: synonymous variant.
Genome position (GRCh38, 1-based): chr12:121,810,058, A>G. VCF-style: chr12-121810058-A-G. GRCh37 (hg19) VCF-style: chr12-122247964-A-G.
Other names: NM_015048.1:c.1113A>G.
Identifiers: ClinVar variation 3038945 (VCV003038945.3), dbSNP rs568412963, ClinGen allele CA6838833.